The following is an entry in ClinVar:

NM_004006.3(DMD):c.3597_3601del (p.Met1200fs)

Gene: DMD (dystrophin; minus strand). Cytogenetic location: Xp21.1.
Variant type: Deletion.
Coding change: c.3597_3601del on transcript NM_004006.3 (MANE Select); coding-DNA positions 3597 to 3601, 5 bases deleted (GATGA; older notation c.3597_3601delGATGA).
Protein change: p.Met1200fs; shifts the reading frame from methionine 1200.
Molecular consequence: frameshift variant.
Genome position (GRCh38, 1-based): chrX:32,454,664-32,454,668, TCATC deleted on the plus strand (GATGA on the coding strand, the reverse complement: DMD is on the minus strand); deleting any 5 consecutive bases within chrX:32,454,664-32,454,670 gives the same sequence; the c. name uses the placement nearest the transcript's 3' end. VCF-style (leftmost placement, unchanged base first): chrX-32454663-TTCATC-T. GRCh37 (hg19) VCF-style: chrX-32472780-TTCATC-T.
Other names: c.3573_3577del, p.Met1192fs (NM_000109.4); c.3585_3589del, p.Met1196fs (NM_004009.3); c.3228_3232del, p.Met1077fs (NM_004010.3); short protein forms M1077fs, M1192fs, M1200fs, M1196fs.
Identifiers: ClinVar variation 2703317 (VCV002703317.3), dbSNP rs2524365256, ClinGen allele CA2697552971.

ClinVar aggregate classification (germline): Pathogenic (1 of 4 stars; one submission).

Conditions:
Duchenne muscular dystrophy (DMD). Also called: MUSCULAR DYSTROPHY, PSEUDOHYPERTROPHIC PROGRESSIVE, DUCHENNE TYPE; Duchenne Muscular Dystrophy (DMD). Identifiers: Orphanet 98896, MedGen C0013264, MONDO:0010679, OMIM 310200.

Submission:

Labcorp Genetics (formerly Invitae), Labcorp
Classification: Pathogenic for Duchenne muscular dystrophy. Last evaluated: 2024-02-07. Review status: criteria provided, single submitter. Criteria: Invitae Variant Classification Sherloc (09022015). Collection method: clinical testing. Allele origin: germline.
Comment: This sequence change creates a premature translational stop signal (p.Met1200Glufs*3) in the DMD gene. It is expected to result in an absent or disrupted protein product. Loss-of-function variants in DMD are known to be pathogenic (PMID: 16770791, 25007885). This variant is not present in population databases (gnomAD no frequency). This variant has not been reported in the literature in individuals affected with DMD-related conditions. For these reasons, this variant has been classified as Pathogenic.

Literature cited by the submitters: PubMed 16770791; PubMed 25007885.